The following is an entry in ClinVar:

ClinVar aggregate classification (germline): Likely benign (1 of 4 stars; one submission).

gnomAD v4.1: 1 of 1,612,458 alleles (0.000062%); highest among the groups gnomAD compares: Non-Finnish European, 0.000085%; no homozygotes.

Submission:

CeGaT Center for Human Genetics Tuebingen
Classification: Likely benign. Last evaluated: 2025-08-01. Review status: criteria provided, single submitter. Criteria: CeGaT Center For Human Genetics Tuebingen Variant Classification Criteria Version 2. Collection method: clinical testing. Allele origin: germline. Affected: yes. Observed: 1 variant allele.
Comment: TLK2: BP4, BP7

NM_006852.6(TLK2):c.510C>G (p.Gly170=)

Gene: TLK2 (tousled like kinase 2; plus strand). Cytogenetic location: 17q23.2.
Variant type: single nucleotide variant.
Coding change: c.510C>G on transcript NM_006852.6 (MANE Select); coding-DNA position 510, C replaced by G.
Protein change: p.Gly170=; no amino-acid change (glycine 170 retained).
Molecular consequence: synonymous variant.
Genome position (GRCh38, 1-based): chr17:62,536,316, C>G. VCF-style: chr17-62536316-C-G. GRCh37 (hg19) VCF-style: chr17-60613677-C-G.
Other names: c.510C>G, p.Gly170= (NM_001284333.3, NM_001375270.1, NM_001375271.1 and 1 more transcripts); c.414C>G, p.Gly138= (NM_001284363.1, NM_001375272.1, NM_001411074.1 and 2 more transcripts); c.63C>G, p.Gly21= (NM_001330418.3, NM_001375273.1); c.552C>G, p.Gly184= (NM_001375269.1).
Identifiers: ClinVar variation 4085661 (VCV004085661.8).
Genomic context (GRCh38, chr17:62,536,316, plus strand): 5'-GTCAGTGATGCTAGCAAAACCTCGGCTTGACACAGAGCAGCTGGCGCAAAGGGGAGCTGG[C>G]CTCTGCTTCACTTTTGTTTCAGTGAGTACAAAGCCTAAGTTAATTCATATCCTTTCCATT-3'
Protein context (NP_006843.2, residues 160-180): DTEQLAQRGA[Gly170=]LCFTFVSAQQ